The following is an entry in ClinVar:

NM_012448.4(STAT5B):c.19G>A (p.Ala7Thr)

Gene: STAT5B (signal transducer and activator of transcription 5B; minus strand). Cytogenetic location: 17q21.2.
Variant type: single nucleotide variant.
Coding change: c.19G>A on transcript NM_012448.4 (MANE Select); coding-DNA position 19, G replaced by A.
Protein change: p.Ala7Thr; replaces alanine 7 with threonine.
Molecular consequence: missense variant.
Genome position (GRCh38, 1-based): chr17:42,232,109, C>T on the plus strand (G>A on the coding strand, the complement: STAT5B is on the minus strand). VCF-style: chr17-42232109-C-T. GRCh37 (hg19) VCF-style: chr17-40384127-C-T.
Other names: short protein forms A7T.
Identifiers: ClinVar variation 3656877 (VCV003656877.2).
Genomic context (GRCh38, chr17:42,232,109, plus strand): 5'-GAAAATGCTGGCCATATAACGCTTGCATCTGATGAAGGGCTTCTCCTTGGAGCTGCTGAG[C>T]TTGTATCCACACAGCCATGGTTTACAATCTGTTGAACAAACAATCAGTGCTTTGGGCGTT-3'
Protein context (NP_036580.2, residues 1-17): MAVWIQ[Ala7Thr]QQLQGEALHQ

ClinVar aggregate classification (germline): Uncertain significance (1 of 4 stars; one submission).

Conditions:
Growth hormone insensitivity with immune dysregulation 1, autosomal recessive. Also called: GROWTH HORMONE INSENSITIVITY DUE TO POSTRECEPTOR DEFECT; LARON SYNDROME DUE TO POSTRECEPTOR DEFECT; GROWTH HORMONE INSENSITIVITY SYNDROME WITH IMMUNE DYSREGULATION 1, AUTOSOMAL RECESSIVE; Laron syndrome with immunodeficiency. Identifiers: Orphanet 220465, MedGen C5435698, MONDO:0100211, OMIM 245590.

Submission:

Labcorp Genetics (formerly Invitae), Labcorp
Classification: Uncertain significance for Growth hormone insensitivity with immune dysregulation 1, autosomal recessive. Last evaluated: 2024-06-18. Review status: criteria provided, single submitter. Criteria: Invitae Variant Classification Sherloc (09022015). Collection method: clinical testing. Allele origin: germline.
Comment: This sequence change replaces alanine, which is neutral and non-polar, with threonine, which is neutral and polar, at codon 7 of the STAT5B protein (p.Ala7Thr). This variant is not present in population databases (gnomAD no frequency). This variant has not been reported in the literature in individuals affected with STAT5B-related conditions. Advanced modeling of protein sequence and biophysical properties (such as structural, functional, and spatial information, amino acid conservation, physicochemical variation, residue mobility, and thermodynamic stability) performed at Invitae indicates that this missense variant is not expected to disrupt STAT5B protein function with a negative predictive value of 80%. In summary, the available evidence is currently insufficient to determine the role of this variant in disease. Therefore, it has been classified as a Variant of Uncertain Significance.